The following is an entry in ClinVar:

NM_017947.4(MOCOS):c.481G>A (p.Val161Met)

Gene: MOCOS (molybdenum cofactor sulfurase; plus strand). Cytogenetic location: 18q12.2.
Variant type: single nucleotide variant.
Coding change: c.481G>A on transcript NM_017947.4 (MANE Select); coding-DNA position 481, G replaced by A.
Protein change: p.Val161Met; replaces valine 161 with methionine.
Molecular consequence: missense variant.
Genome position (GRCh38, 1-based): chr18:36,199,864, G>A. VCF-style: chr18-36199864-G-A. GRCh37 (hg19) VCF-style: chr18-33779827-G-A.
Other names: c.481G>A (NM_017947.2); short protein forms V161M.
Identifiers: ClinVar variation 2174886 (VCV002174886.5), dbSNP rs373341737, ClinGen allele CA8940447.

ClinVar aggregate classification (germline): Uncertain significance. Review status: criteria provided, multiple submitters, no conflicts (2 of 4 stars). 2 submissions from 2 submitters: Uncertain significance (2). Last evaluated 2025-08-07.

Conditions:
Xanthinuria type II. Also called: Xanthine dehydrogenase and aldehyde oxidase combined deficiency of; XDH and AOX dual deficiency. Identifiers: Orphanet 3467, Orphanet 93602, MedGen C1863688, MONDO:0011346, OMIM 603592.

Allele frequency attached by ClinVar (database versions not stated): gnomAD 0.00001; gnomAD exomes 0.00001; ExAC 0.00002; TOPMed 0.00003; ESP Exome Variant Server 0.00008.
gnomAD v4.1: 21 of 1,613,818 alleles (0.0013%); highest among the groups gnomAD compares: Non-Finnish European, 0.0015%; no homozygotes.

Submissions (2):

Ambry Genetics
Classification: Uncertain significance. Last evaluated: 2025-08-07. Review status: criteria provided, single submitter. Criteria: Ambry Variant Classification Scheme 2023. Collection method: clinical testing. Allele origin: germline.

Labcorp Genetics (formerly Invitae), Labcorp
Classification: Uncertain significance for Xanthinuria type II. Last evaluated: 2022-07-19. Review status: criteria provided, single submitter. Criteria: Invitae Variant Classification Sherloc (09022015). Collection method: clinical testing. Allele origin: germline.
Comment: In summary, the available evidence is currently insufficient to determine the role of this variant in disease. Therefore, it has been classified as a Variant of Uncertain Significance. Algorithms developed to predict the effect of missense changes on protein structure and function (SIFT, PolyPhen-2, Align-GVGD) all suggest that this variant is likely to be tolerated. This variant has not been reported in the literature in individuals affected with MOCOS-related conditions. This variant is present in population databases (rs373341737, gnomAD 0.004%). This sequence change replaces valine, which is neutral and non-polar, with methionine, which is neutral and non-polar, at codon 161 of the MOCOS protein (p.Val161Met).